The following is an entry in ClinVar:

NM_006929.5(SKIC2):c.1321C>G (p.Leu441Val)

Gene: SKIC2 (SKI2 subunit of superkiller complex; plus strand). Cytogenetic location: 6p21.33.
Variant type: single nucleotide variant.
Coding change: c.1321C>G on transcript NM_006929.5 (MANE Select); coding-DNA position 1321, C replaced by G.
Protein change: p.Leu441Val; replaces leucine 441 with valine.
Molecular consequence: missense variant.
Genome position (GRCh38, 1-based): chr6:31,963,009, C>G. VCF-style: chr6-31963009-C-G. GRCh37 (hg19) VCF-style: chr6-31930786-C-G.
Other names: c.1321C>G (NM_006929.4); short protein forms L441V.
Identifiers: ClinVar variation 1962569 (VCV001962569.3), dbSNP rs764335136, ClinGen allele CA136908364.

ClinVar aggregate classification (germline): Uncertain significance. Review status: criteria provided, multiple submitters, no conflicts (2 of 4 stars). 2 submissions from 2 submitters: Uncertain significance (2). Last evaluated 2024-08-28.

Conditions:
Inborn genetic diseases. Identifiers: MedGen C0950123, MeSH D030342.

Allele frequency attached by ClinVar (database versions not stated): gnomAD exomes 0.00001; TOPMed 0.00002; gnomAD 0.00003.
gnomAD v4.1: 23 of 1,612,302 alleles (0.0014%); highest among the groups gnomAD compares: Non-Finnish European, 0.0018%; no homozygotes.

Submissions (2):

Ambry Genetics
Classification: Uncertain significance for Inborn genetic diseases. Last evaluated: 2024-08-28. Review status: criteria provided, single submitter. Criteria: Ambry Variant Classification Scheme 2023. Collection method: clinical testing. Allele origin: germline.

Labcorp Genetics (formerly Invitae), Labcorp
Classification: Uncertain significance. Last evaluated: 2022-09-07. Review status: criteria provided, single submitter. Criteria: Invitae Variant Classification Sherloc (09022015). Collection method: clinical testing. Allele origin: germline.
Comment: This sequence change replaces leucine, which is neutral and non-polar, with valine, which is neutral and non-polar, at codon 441 of the SKIV2L protein (p.Leu441Val). This variant is present in population databases (rs764335136, gnomAD 0.007%). This variant has not been reported in the literature in individuals affected with SKIV2L-related conditions. Algorithms developed to predict the effect of missense changes on protein structure and function (SIFT, PolyPhen-2, Align-GVGD) all suggest that this variant is likely to be tolerated. In summary, the available evidence is currently insufficient to determine the role of this variant in disease. Therefore, it has been classified as a Variant of Uncertain Significance.